The following is an entry in ClinVar:

ClinVar aggregate classification (germline): Uncertain significance (1 of 4 stars; one submission).

Conditions:
Glycine encephalopathy. Also called: Nonketotic hyperglycinemia; Non-ketotic hyperglycinemia. Identifiers: Orphanet 407, MedGen C0751748, MONDO:0011612, HP:0008288.

Allele frequency attached by ClinVar (database versions not stated): gnomAD exomes below 0.00001; ExAC 0.00001.
gnomAD v4.1: 1 of 1,607,262 alleles (0.000062%); highest among the groups gnomAD compares: South Asian, 0.0011%; no homozygotes.

Submission:

Labcorp Genetics (formerly Invitae), Labcorp
Classification: Uncertain significance for Glycine encephalopathy. Last evaluated: 2019-10-31. Review status: criteria provided, single submitter. Criteria: Invitae Variant Classification Sherloc (09022015). Collection method: clinical testing. Allele origin: germline.
Comment: This sequence change replaces serine with glycine at codon 105 of the GCSH protein (p.Ser105Gly). The serine residue is highly conserved and there is a small physicochemical difference between serine and glycine. This variant is present in population databases (rs747131765, ExAC 0.006%). This variant has not been reported in the literature in individuals with GCSH-related conditions. Algorithms developed to predict the effect of missense changes on protein structure and function (SIFT, PolyPhen-2, Align-GVGD) all suggest that this variant is likely to be disruptive, but these predictions have not been confirmed by published functional studies and their clinical significance is uncertain. Algorithms developed to predict the effect of sequence changes on RNA splicing suggest that this variant may create or strengthen a splice site, but this prediction has not been confirmed by published transcriptional studies. In summary, the available evidence is currently insufficient to determine the role of this variant in disease. Therefore, it has been classified as a Variant of Uncertain Significance.

NM_004483.5(GCSH):c.313A>G (p.Ser105Gly)

Gene: GCSH (glycine cleavage system protein H; minus strand). Cytogenetic location: 16q23.2.
Variant type: single nucleotide variant.
Coding change: c.313A>G on transcript NM_004483.5 (MANE Select); coding-DNA position 313, A replaced by G.
Protein change: p.Ser105Gly; replaces serine 105 with glycine.
Molecular consequence: missense variant. On other transcripts: non-coding transcript variant (1).
Genome position (GRCh38, 1-based): chr16:81,084,574, T>C on the plus strand (A>G on the coding strand, the complement: GCSH is on the minus strand). VCF-style: chr16-81084574-T-C. GRCh37 (hg19) VCF-style: chr16-81118179-T-C.
Other names: short protein forms S105G.
Identifiers: ClinVar variation 963248 (VCV000963248.10), dbSNP rs747131765, ClinGen allele CA8186747.